The following is an entry in ClinVar:

ClinVar aggregate classification (germline): Likely pathogenic (1 of 4 stars; one submission).

Conditions:
Intellectual disability, X-linked 102 (MRXSSB). Also called: Intellectual developmental disorder, X-linked syndromic, Snijders Blok type. Identifiers: Orphanet 457260, MedGen C5393299, MONDO:0010497, OMIM 300958.

Submission:

HudsonAlpha Institute for Biotechnology
Classification: Likely pathogenic for Intellectual disability, X-linked 102. Last evaluated: 2021-03-25. Review status: criteria provided, single submitter. Criteria: ACMG Guidelines, 2015. Collection method: research. Allele origin: unknown. Affected: yes. Observed: 1 variant allele. Study: HudsonAlpha-AGHI-WGS.
Comment: ACMG codes:PVS1,PM2

NM_001356.5(DDX3X):c.1171-2A>C

Gene: DDX3X (DEAD-box helicase 3 X-linked; plus strand). Cytogenetic location: Xp11.4.
Variant type: single nucleotide variant.
Coding change: c.1171-2A>C on transcript NM_001356.5 (MANE Select); the canonical splice acceptor site of the intron before coding-DNA position 1171, A replaced by C.
Molecular consequence: splice acceptor variant.
Genome position (GRCh38, 1-based): chrX:41,345,402, A>C. VCF-style: chrX-41345402-A-C. GRCh37 (hg19) VCF-style: chrX-41204655-A-C.
Other names: c.1171-2A>C (NM_001193416.3); c.1123-2A>C (NM_001193417.3); c.613-2A>C (NM_001363819.1).
Identifiers: ClinVar variation 1251939 (VCV001251939.1), dbSNP rs2147356545, ClinGen allele CA412771584.